The following is an entry in ClinVar:

NM_144999.4(LRRC45):c.1494+10A>T

Gene: LRRC45 (leucine rich repeat containing 45; plus strand). Cytogenetic location: 17q25.3.
Variant type: single nucleotide variant.
Coding change: c.1494+10A>T on transcript NM_144999.4 (MANE Select); 10 bases into the intron after coding-DNA position 1494, A replaced by T.
Molecular consequence: intron variant.
Genome position (GRCh38, 1-based): chr17:82,029,645, A>T. VCF-style: chr17-82029645-A-T. GRCh37 (hg19) VCF-style: chr17-79987521-A-T.
Identifiers: ClinVar variation 4994358 (VCV004994358.1).

ClinVar aggregate classification (germline): Likely benign (1 of 4 stars; one submission).

Conditions:
LRRC45-related disorder. Also called: LRRC45-related condition.

Submission:

PreventionGenetics, part of Exact Sciences
Classification: Likely benign for LRRC45-related condition. Last evaluated: 2026-08-04. Review status: criteria provided, single submitter. Criteria: ACMG Guidelines, 2015. Collection method: clinical testing. Allele origin: germline.
Comment: This variant is classified as likely benign based on ACMG/AMP sequence variant interpretation guidelines (Richards et al. 2015 PMID: 25741868, with internal and published modifications).